The following is an entry in ClinVar:

ClinVar aggregate classification (germline): Uncertain significance (1 of 4 stars; one submission).

Conditions:
Agammaglobulinemia 3, autosomal recessive (AGM3). Also called: AGAMMAGLOBULINEMIA 3; AGAMMAGLOBULINEMIA, AUTOSOMAL RECESSIVE, DUE TO CD79A DEFECT. Identifiers: MedGen C3150751, MONDO:0013288, OMIM 613501.

Submission:

Labcorp Genetics (formerly Invitae), Labcorp
Classification: Uncertain significance for Agammaglobulinemia 3, autosomal recessive. Last evaluated: 2021-02-10. Review status: criteria provided, single submitter. Criteria: Invitae Variant Classification Sherloc (09022015). Collection method: clinical testing. Allele origin: germline.
Comment: In summary, the available evidence is currently insufficient to determine the role of this variant in disease. Therefore, it has been classified as a Variant of Uncertain Significance. Algorithms developed to predict the effect of missense changes on protein structure and function (SIFT, PolyPhen-2, Align-GVGD) all suggest that this variant is likely to be disruptive, but these predictions have not been confirmed by published functional studies and their clinical significance is uncertain. This variant has not been reported in the literature in individuals with CD79A-related conditions. This variant is not present in population databases (ExAC no frequency). This sequence change replaces tyrosine with histidine at codon 104 of the CD79A protein (p.Tyr104His). The tyrosine residue is highly conserved and there is a moderate physicochemical difference between tyrosine and histidine.

NM_001783.4(CD79A):c.310T>C (p.Tyr104His)

Genes: CD79A (CD79a molecule; plus strand), RPS19-CD79A (RPS19-CD79A readthrough; plus strand). Cytogenetic location: 19q13.2.
Variant type: single nucleotide variant.
Coding change: c.310T>C on transcript NM_001783.4 (MANE Select); coding-DNA position 310, T replaced by C.
Protein change: p.Tyr104His; replaces tyrosine 104 with histidine.
Molecular consequence: missense variant. On other transcripts: intron variant (1).
Genome position (GRCh38, 1-based): chr19:41,879,220, T>C. VCF-style: chr19-41879220-T-C. GRCh37 (hg19) VCF-style: chr19-42383290-T-C.
Other names: c.265+45T>C (NM_021601.4); short protein forms Y104H.
Identifiers: ClinVar variation 1472173 (VCV001472173.8), dbSNP rs2123304241, ClinGen allele CA406034573.